The following is an entry in ClinVar:

ClinVar aggregate classification (germline): Uncertain significance (1 of 4 stars; one submission).

Conditions:
Hereditary cancer-predisposing syndrome. Also called: Tumor predisposition; Hereditary Cancer Syndrome; Hereditary neoplastic syndrome; Neoplastic Syndromes, Hereditary. Identifiers: Orphanet 140162, MedGen C0027672, MeSH D009386, MONDO:0015356.

Submission:

Ambry Genetics
Classification: Uncertain significance for Hereditary cancer-predisposing syndrome. Last evaluated: 2023-06-17. Review status: criteria provided, single submitter. Criteria: Ambry Variant Classification Scheme 2023. Collection method: clinical testing. Allele origin: germline.
Comment: The p.A508S variant (also known as c.1522G>T), located in coding exon 14 of the TSC2 gene, results from a G to T substitution at nucleotide position 1522. The alanine at codon 508 is replaced by serine, an amino acid with similar properties. This amino acid position is conserved. In addition, this alteration is predicted to be deleterious by in silico analysis. Since supporting evidence is limited at this time, the clinical significance of this alteration remains unclear.

NM_000548.5(TSC2):c.1522G>T (p.Ala508Ser)

Gene: TSC2 (TSC complex subunit 2; plus strand). Cytogenetic location: 16p13.3.
Variant type: single nucleotide variant.
Coding change: c.1522G>T on transcript NM_000548.5 (MANE Select); coding-DNA position 1522, G replaced by T.
Protein change: p.Ala508Ser; replaces alanine 508 with serine.
Molecular consequence: missense variant. On other transcripts: 5 prime UTR variant (1), non-coding transcript variant (5).
Genome position (GRCh38, 1-based): chr16:2,064,350, G>T. VCF-style: chr16-2064350-G-T. GRCh37 (hg19) VCF-style: chr16-2114351-G-T.
Other names: c.1411G>T, p.Ala471Ser (NM_001318827.2, NM_001406670.1, NM_001406678.1); c.1375G>T, p.Ala459Ser (NM_001318829.2, NM_001406675.1, NM_001406676.1 and 1 more transcripts); c.922G>T, p.Ala308Ser (NM_001318831.2, NM_001406680.1, NM_001406682.1 and 6 more transcripts); c.1522G>T, p.Ala508Ser (NM_001114382.3, NM_001363528.2, NM_001077183.3 and 6 more transcripts); c.1555G>T, p.Ala519Ser (NM_001318832.2); c.1612G>T, p.Ala538Ser (NM_001406667.1, NM_001406668.1); c.1510G>T, p.Ala504Ser (NM_001406671.1, NM_001406673.1); c.1465G>T, p.Ala489Ser (NM_001406677.1); and 3 more; short protein forms A504S, A508S, A519S, A538S, A354S, A489S, A60S, A308S.
Identifiers: ClinVar variation 2587623 (VCV002587623.2), dbSNP rs2087020192, ClinGen allele CA394326225.